The following is an entry in ClinVar:

ClinVar aggregate classification (germline): Pathogenic (1 of 4 stars; one submission).

Allele frequency attached by ClinVar (database versions not stated): gnomAD exomes below 0.00001.
gnomAD v4.1: 5 of 1,614,122 alleles (0.00031%); highest among the groups gnomAD compares: Non-Finnish European, 0.00042%; no homozygotes.

Submission:

Labcorp Genetics (formerly Invitae), Labcorp
Classification: Pathogenic. Last evaluated: 2024-10-22. Review status: criteria provided, single submitter. Criteria: Invitae Variant Classification Sherloc (09022015). Collection method: clinical testing. Allele origin: germline.
Comment: This sequence change creates a premature translational stop signal (p.Arg2411*) in the FLNB gene. It is expected to result in an absent or disrupted protein product. Loss-of-function variants in FLNB are known to be pathogenic (PMID: 14991055). This variant is present in population databases (no rsID available, gnomAD 0.002%). This variant has not been reported in the literature in individuals affected with FLNB-related conditions. For these reasons, this variant has been classified as Pathogenic.

Literature cited by the submitters: PubMed 14991055.

NM_001457.4(FLNB):c.7231C>T (p.Arg2411Ter)

Genes: FLNB (filamin B; plus strand), FLNB-AS1 (FLNB antisense RNA 1; minus strand). Cytogenetic location: 3p14.3.
Variant type: single nucleotide variant.
Coding change: c.7231C>T on transcript NM_001457.4 (MANE Select); coding-DNA position 7231, C replaced by T.
Protein change: p.Arg2411Ter; replaces arginine 2411 with a stop codon.
Molecular consequence: nonsense.
Genome position (GRCh38, 1-based): chr3:58,168,472, C>T. VCF-style: chr3-58168472-C-T. GRCh37 (hg19) VCF-style: chr3-58154199-C-T.
Other names: c.7324C>T, p.Arg2442Ter (NM_001164317.2); c.7198C>T, p.Arg2400Ter (NM_001164318.2); c.7159C>T, p.Arg2387Ter (NM_001164319.2); short protein forms R2411*, R2442*, R2400*, R2387*.
Identifiers: ClinVar variation 2789078 (VCV002789078.3), dbSNP rs1428092166, ClinGen allele CA353334664.